The following is an entry in ClinVar:

NM_024665.7(TBL1XR1):c.965_967dup (p.Phe322_Ala323insVal)

Genes: TBL1XR1 (TBL1X/Y related 1; minus strand), TBL1XR1-AS1 (TBL1XR1 antisense RNA 1; plus strand), LOC126806878 (CDK7 strongly-dependent group 2 enhancer GRCh37_chr3:176755168-176756367; plus strand). Cytogenetic location: 3q26.32.
Variant type: Duplication.
Coding change: c.965_967dup on transcript NM_024665.7 (MANE Select); coding-DNA positions 965 to 967, 3 bases duplicated (TTG; older notation c.965_967dupTTG).
Protein change: p.Phe322_Ala323insVal.
Molecular consequence: inframe insertion. On other transcripts: non-coding transcript variant (1).
Genome position (GRCh38, 1-based): chr3:177,038,393-177,038,395, CAA duplicated on the plus strand (TTG on the coding strand, the reverse complement: TBL1XR1 is on the minus strand). VCF-style (leftmost placement, unchanged base first): chr3-177038392-G-GCAA. GRCh37 (hg19) VCF-style: chr3-176756180-G-GCAA.
Other names: c.965_967dup, p.Phe322_Ala323insVal (NM_001321193.3, NM_001321194.3, NM_001374327.1 and 2 more transcripts); c.704_706dup, p.Phe235_Ala236insVal (NM_001321195.3, NM_001374330.1).
Identifiers: ClinVar variation 3899076 (VCV003899076.1).

ClinVar aggregate classification (germline): Uncertain significance (1 of 4 stars; one submission).

Submission:

GeneDx
Classification: Uncertain significance. Last evaluated: 2024-11-05. Review status: criteria provided, single submitter. Criteria: GeneDx Variant Classification Process June 2021. Collection method: clinical testing. Allele origin: germline. Affected: yes.
Comment: Has not been previously published as pathogenic or benign to our knowledge; Not observed at significant frequency in large population cohorts (gnomAD); In-frame insertion of 1 amino acid in a non-repeat region